The following is an entry in ClinVar:

NM_002335.4(LRP5):c.991G>T (p.Asp331Tyr)

Gene: LRP5 (LDL receptor related protein 5; plus strand). Cytogenetic location: 11q13.2.
Variant type: single nucleotide variant.
Coding change: c.991G>T on transcript NM_002335.4 (MANE Select); coding-DNA position 991, G replaced by T.
Protein change: p.Asp331Tyr; replaces aspartic acid 331 with tyrosine.
Molecular consequence: missense variant. On other transcripts: 5 prime UTR variant (1).
Genome position (GRCh38, 1-based): chr11:68,365,678, G>T. VCF-style: chr11-68365678-G-T. GRCh37 (hg19) VCF-style: chr11-68133146-G-T.
Other names: c.-775G>T (NM_001291902.2); short protein forms D331Y.
Identifiers: ClinVar variation 4701877 (VCV004701877.1).

ClinVar aggregate classification (germline): Uncertain significance (1 of 4 stars; one submission).

gnomAD v4.1: 3 of 1,486,402 alleles (0.0002%); highest among the groups gnomAD compares: Non-Finnish European, 0.00027%; no homozygotes.

Submission:

Labcorp Genetics (formerly Invitae), Labcorp
Classification: Uncertain significance. Last evaluated: 2025-03-05. Review status: criteria provided, single submitter. Criteria: Invitae Variant Classification Sherloc (09022015). Collection method: clinical testing. Allele origin: germline.
Comment: This sequence change replaces aspartic acid, which is acidic and polar, with tyrosine, which is neutral and polar, at codon 331 of the LRP5 protein (p.Asp331Tyr). This variant is not present in population databases (gnomAD no frequency). This variant has not been reported in the literature in individuals affected with LRP5-related conditions. Invitae Evidence Modeling of protein sequence and biophysical properties (such as structural, functional, and spatial information, amino acid conservation, physicochemical variation, residue mobility, and thermodynamic stability) has been performed for this missense variant. However, the output from this modeling did not meet the statistical confidence thresholds required to predict the impact of this variant on LRP5 protein function. In summary, the available evidence is currently insufficient to determine the role of this variant in disease. Therefore, it has been classified as a Variant of Uncertain Significance.